The following is an entry in ClinVar:

NM_001001344.3(ATP2B3):c.3508C>A (p.Arg1170Ser)

Gene: ATP2B3 (ATPase plasma membrane Ca2+ transporting 3; plus strand). Cytogenetic location: Xq28.
Variant type: single nucleotide variant.
Coding change: c.3508C>A on transcript NM_001001344.3 (MANE Select); coding-DNA position 3508, C replaced by A.
Protein change: p.Arg1170Ser; replaces arginine 1170 with serine.
Molecular consequence: missense variant. On other transcripts: 3 prime UTR variant (2).
Genome position (GRCh38, 1-based): chrX:153,580,143, C>A. VCF-style: chrX-153580143-C-A. GRCh37 (hg19) VCF-style: chrX-152845601-C-A.
Other names: c.*140C>A (NM_001388360.1, NM_021949.4); c.3508C>A, p.Arg1170Ser (NM_001388361.1); short protein forms R1170S.
Identifiers: ClinVar variation 2285931 (VCV002285931.19), dbSNP rs368530977, ClinGen allele CA415083124.
Genomic context (GRCh38, chrX:153,580,143, plus strand): 5'-AATGACTACACCCACAACATCCCGCTCATTGACGACACGGACGTGGACGAGAACGAGGAG[C>A]GCCTCCGGGCCCCCCCGCCCCCGTCCCCCAACCAGAACAACAACGCCATAGACAGCGGCA-3'
Protein context (NP_001001344.1, residues 1160-1180): DDTDVDENEE[Arg1170Ser]LRAPPPPSPN

ClinVar aggregate classification (germline): Uncertain significance. Review status: criteria provided, multiple submitters, no conflicts (2 of 4 stars). 2 submissions from 2 submitters: Uncertain significance (2). Last evaluated 2024-08-01.

Conditions:
Inborn genetic diseases. Identifiers: MedGen C0950123, MeSH D030342.

Submissions (2):

CeGaT Center for Human Genetics Tuebingen
Classification: Uncertain significance. Last evaluated: 2024-08-01. Review status: criteria provided, single submitter. Criteria: CeGaT Center For Human Genetics Tuebingen Variant Classification Criteria Version 2. Collection method: clinical testing. Allele origin: germline. Affected: yes. Observed: 1 variant allele.
Comment: ATP2B3: PM2

Ambry Genetics
Classification: Uncertain significance for Inborn genetic diseases. Last evaluated: 2022-04-25. Review status: criteria provided, single submitter. Criteria: Ambry Variant Classification Scheme 2023. Collection method: clinical testing. Allele origin: germline.